The following is an entry in ClinVar:

ClinVar aggregate classification (germline): Pathogenic (1 of 4 stars; one submission).

Conditions:
Fanconi anemia complementation group O. Also called: RAD51C-Related Fanconi Anemia. Identifiers: Orphanet 84, MedGen C3150653, MONDO:0013248, OMIM 613390.

Submission:

Labcorp Genetics (formerly Invitae), Labcorp
Classification: Pathogenic for Fanconi anemia complementation group O. Last evaluated: 2024-01-04. Review status: criteria provided, single submitter. Criteria: Invitae Variant Classification Sherloc (09022015). Collection method: clinical testing. Allele origin: unknown.
Comment: This variant is a gross deletion of the genomic region encompassing exon(s) 8-9 of the RAD51C gene, which includes the termination codon. This deletion extends beyond the assayed region for this gene and therefore may encompass additional genes. While this deletion is not anticipated to lead to nonsense mediated decay, it is expected to alter mRNA translation or result in a truncated protein product. A similar copy number variant has been observed in individual(s) with a personal and family history of ovarian cancer (PMID: 27616075). This variant disrupts the nuclear localization signal (NLS) of the RAD51C protein, which is important for proper localization and function of the RAD51C protein (PMID:12966089). While functional studies have not been performed to directly test the effect of this variant on RAD51C protein function, this suggests that disruption of this region of the protein is causative of disease. For these reasons, this variant has been classified as Pathogenic.

Literature cited by the submitters: PubMed 27616075; PubMed 12966089.

NC_000017.10:g.(?_56809825)_(56811583_?)del

Gene: RAD51C (RAD51 paralog C; plus strand). Cytogenetic location: 17q22.
Variant type: Deletion.
Identifiers: ClinVar variation 3243086 (VCV003243086.1).